The following is an entry in ClinVar:

NM_001365536.1(SCN9A):c.892G>A (p.Asp298Asn)

Gene: SCN9A (sodium voltage-gated channel alpha subunit 9; minus strand). Cytogenetic location: 2q24.3.
Variant type: single nucleotide variant.
Coding change: c.892G>A on transcript NM_001365536.1 (MANE Select); coding-DNA position 892, G replaced by A.
Protein change: p.Asp298Asn; replaces aspartic acid 298 with asparagine.
Molecular consequence: missense variant.
Genome position (GRCh38, 1-based): chr2:166,303,099, C>T on the plus strand (G>A on the coding strand, the complement: SCN9A is on the minus strand). VCF-style: chr2-166303099-C-T. GRCh37 (hg19) VCF-style: chr2-167159609-C-T.
Other names: c.892G>A, p.Asp298Asn (NM_002977.4); short protein forms D298N.
Identifiers: ClinVar variation 373380 (VCV000373380.6), dbSNP rs1057518384, ClinGen allele CA16042408.
Genomic context (GRCh38, chr2:166,303,099, plus strand): 5'-AATGTTTTTAGCATTATTTCAACCTAATAACAAATGCAAGGACATTCTTACTTCTAAAGT[C>T]TTCTTCACTCTCTAGGGTATTCATTATGCTTTCTAATGTTTCATTATTTTCAAGTGAATT-3'
Protein context (NP_001352465.1, residues 288-308): SIMNTLESEE[Asp298Asn]FRKYFYYLEG

ClinVar aggregate classification (germline): Uncertain significance. Review status: criteria provided, multiple submitters, no conflicts (2 of 4 stars). 2 submissions from 2 submitters: Uncertain significance (2). Last evaluated 2021-03-15.

Allele frequency attached by ClinVar (database versions not stated): gnomAD exomes below 0.00001; TOPMed below 0.00001; gnomAD 0.00001.
gnomAD v4.1: 3 of 1,595,164 alleles (0.00019%); highest among the groups gnomAD compares: African/African-American, 0.0013%; no homozygotes.

Submissions (2):

Mayo Clinic Laboratories, Mayo Clinic
Classification: Uncertain significance. Last evaluated: 2021-03-15. Review status: criteria provided, single submitter. Criteria: ACMG Guidelines, 2015. Collection method: clinical testing. Allele origin: germline. Observed: 1 variant allele.

GeneDx
Classification: Uncertain significance. Last evaluated: 2016-11-29. Review status: criteria provided, single submitter. Criteria: GeneDx Variant Classification (06012015). Collection method: clinical testing. Allele origin: germline. Affected: yes.
Comment: The D298N variant in the SCN9A gene has not been reported previously as a pathogenic variant, nor as a benign variant, to our knowledge. The D298N variant was not observed in approximately 6100 individuals of European and African American ancestry in the NHLBI Exome Sequencing Project, indicating it is not a common benign variant in these populations. The D298N variant is a semi-conservative amino acid substitution, which may impact secondary protein structure as these residues differ in some properties. This substitution occurs at a position that is not conserved. In silico analysis is inconsistent in its predictions as to whether or not the variant is damaging to the protein structure/function. We interpret D298N as a variant of uncertain significance.